The following is an entry in ClinVar:

NR_033294.2(SNORD118):n.64G>A

Genes: SNORD118 (small nucleolar RNA, C/D box 118; minus strand), TMEM107 (transmembrane protein 107; minus strand). Cytogenetic location: 17p13.1.
Variant type: single nucleotide variant.
Molecular consequence: non-coding transcript variant (on NR_033294.2). On other transcripts: 3 prime UTR variant (5).
Genome position: GRCh38 VCF-style: chr17-8173525-C-T. GRCh37 (hg19) VCF-style: chr17-8076843-C-T.
Other names: c.*678G>A (NM_001351278.2, NM_001351279.2, NM_001351280.2 and 2 more transcripts).
Identifiers: ClinVar variation 929281 (VCV000929281.35), dbSNP rs372252345, ClinGen allele CA8370699.

ClinVar aggregate classification (germline): Uncertain significance. Review status: criteria provided, multiple submitters, no conflicts (2 of 4 stars). 3 submissions from 3 submitters: Uncertain significance (2). 1 of the submissions does not count toward it. Last evaluated 2026-09-01.

Conditions:
Leukoencephalopathy with calcifications and cysts. Also called: Leukoencephalopathy, brain calcifications, and cysts; LABRUNE SYNDROME. Identifiers: Orphanet 542310, MedGen C3281200, MONDO:0013803, OMIM 614561.

Allele frequency attached by ClinVar (database versions not stated): gnomAD exomes 0.00012; ESP Exome Variant Server 0.00017; gnomAD 0.00023 and 0.00025; ExAC 0.00005; TOPMed 0.00011.
gnomAD v4.1: 87 of 765,240 alleles (0.011%); highest among the groups gnomAD compares: Admixed American, 0.076%; no homozygotes.

Submissions (3):

CeGaT Center for Human Genetics Tuebingen
Classification: Uncertain significance. Last evaluated: 2026-09-01. Review status: criteria provided, single submitter. Criteria: CeGaT Center For Human Genetics Tuebingen Variant Classification Criteria Version 2. Collection method: clinical testing. Allele origin: germline. Affected: yes. Observed: 2 variant alleles.
Comment: SNORD118: PM2, PM3:Supporting

Labcorp Genetics (formerly Invitae), Labcorp
Classification: Uncertain significance. Last evaluated: 2024-11-04. Review status: criteria provided, single submitter. Criteria: Invitae Variant Classification Sherloc (09022015). Collection method: clinical testing. Allele origin: germline.
Comment: This variant occurs in the SNORD118 gene, which encodes an RNA molecule that does not result in a protein product. This variant is present in population databases (rs372252345, gnomAD 0.06%). This variant has been observed in individual(s) with clinical features of SNORD118-related conditions (PMID: 33029936). ClinVar contains an entry for this variant (Variation ID: 929281). Experimental studies and prediction algorithms are not available or were not evaluated, and the functional significance of this variant is currently unknown. In summary, the available evidence is currently insufficient to determine the role of this variant in disease. Therefore, it has been classified as a Variant of Uncertain Significance.

Laboratory of Neurogenetics and Neuroinflammation, Institut Imagine
Classification: Pathogenic for Leukoencephalopathy, brain calcifications, and cysts. Last evaluated: 2020-04-06. Review status: no assertion criteria provided. Collection method: clinical testing. Allele origin: germline. Affected: yes. Observed: 1 variant allele. Not counted in ClinVar's aggregate classification.

Literature cited by the submitters: PubMed 33029936 (cited by Labcorp Genetics (formerly Invitae), Labcorp).